The following is an entry in ClinVar:

NM_004360.5(CDH1):c.2282G>T (p.Gly761Val)

Gene: CDH1 (cadherin 1; plus strand). Cytogenetic location: 16q22.1.
Variant type: single nucleotide variant.
Coding change: c.2282G>T on transcript NM_004360.5 (MANE Select); coding-DNA position 2282, G replaced by T.
Protein change: p.Gly761Val; replaces glycine 761 with valine.
Molecular consequence: missense variant.
Genome position (GRCh38, 1-based): chr16:68,828,291, G>T. VCF-style: chr16-68828291-G-T. GRCh37 (hg19) VCF-style: chr16-68862194-G-T.
Other names: c.2099G>T, p.Gly700Val (NM_001317184.2); c.734G>T, p.Gly245Val (NM_001317185.2); c.317G>T, p.Gly106Val (NM_001317186.2); short protein forms G700V, G106V, G761V, G245V.
Identifiers: ClinVar variation 847397 (VCV000847397.10), dbSNP rs876659664, ClinGen allele CA396470076.

ClinVar aggregate classification (germline): Uncertain significance (1 of 4 stars; one submission).

Conditions:
Hereditary diffuse gastric adenocarcinoma (HDGC). Also called: DIFFUSE GASTRIC AND LOBULAR BREAST CANCER SYNDROME. Identifiers: Orphanet 26106, MedGen C1708349, MONDO:0007648, OMIM 137215.

Submission:

Labcorp Genetics (formerly Invitae), Labcorp
Classification: Uncertain significance for Hereditary diffuse gastric adenocarcinoma. Last evaluated: 2019-11-25. Review status: criteria provided, single submitter. Criteria: Invitae Variant Classification Sherloc (09022015). Collection method: clinical testing. Allele origin: germline.
Comment: This sequence change replaces glycine with valine at codon 761 of the CDH1 protein (p.Gly761Val). The glycine residue is highly conserved and there is a moderate physicochemical difference between glycine and valine. This variant is not present in population databases (ExAC no frequency). This variant has not been reported in the literature in individuals with CDH1-related conditions. Algorithms developed to predict the effect of missense changes on protein structure and function (SIFT, PolyPhen-2, Align-GVGD) all suggest that this variant is likely to be disruptive, but these predictions have not been confirmed by published functional studies and their clinical significance is uncertain. In summary, the available evidence is currently insufficient to determine the role of this variant in disease. Therefore, it has been classified as a Variant of Uncertain Significance.